The following is an entry in ClinVar:

NM_000180.4(GUCY2D):c.1780C>T (p.Leu594Phe)

Gene: GUCY2D (guanylate cyclase 2D, retinal; plus strand). Cytogenetic location: 17p13.1.
Variant type: single nucleotide variant.
Coding change: c.1780C>T on transcript NM_000180.4 (MANE Select); coding-DNA position 1780, C replaced by T.
Protein change: p.Leu594Phe; replaces leucine 594 with phenylalanine.
Molecular consequence: missense variant.
Genome position (GRCh38, 1-based): chr17:8,012,174, C>T. VCF-style: chr17-8012174-C-T. GRCh37 (hg19) VCF-style: chr17-7915492-C-T.
Other names: short protein forms L594F.
Identifiers: ClinVar variation 1959380 (VCV001959380.2), dbSNP rs2545423944, ClinGen allele CA397951272.

ClinVar aggregate classification (germline): Uncertain significance (1 of 4 stars; one submission).

Conditions:
Cone-rod dystrophy 6 (CORD6). Also called: Cone dystrophy progressive; RETINAL CONE DYSTROPHY 2. Identifiers: Orphanet 1872, MedGen C1866293, MONDO:0011143, OMIM 601777.
Leber congenital amaurosis 1 (LCA1). Also called: AMAUROSIS CONGENITA OF LEBER I; Congenital absence of the rods and cones; Leber's congenital tapetoretinal degeneration; Leber's congenital tapetoretinal dysplasia; RETINAL BLINDNESS, CONGENITAL. Identifiers: Orphanet 65, MedGen C2931258, MONDO:0008764, OMIM 204000.

Allele frequency attached by ClinVar (database versions not stated): gnomAD exomes below 0.00001.

Submission:

Labcorp Genetics (formerly Invitae), Labcorp
Classification: Uncertain significance for Leber congenital amaurosis 1; Cone-rod dystrophy 6. Last evaluated: 2022-05-07. Review status: criteria provided, single submitter. Criteria: Invitae Variant Classification Sherloc (09022015). Collection method: clinical testing. Allele origin: germline.
Comment: This sequence change replaces leucine, which is neutral and non-polar, with phenylalanine, which is neutral and non-polar, at codon 594 of the GUCY2D protein (p.Leu594Phe). This variant is not present in population databases (gnomAD no frequency). This variant has not been reported in the literature in individuals affected with GUCY2D-related conditions. Algorithms developed to predict the effect of missense changes on protein structure and function are either unavailable or do not agree on the potential impact of this missense change (SIFT: "Deleterious"; PolyPhen-2: "Probably Damaging"; Align-GVGD: "Class C0"). In summary, the available evidence is currently insufficient to determine the role of this variant in disease. Therefore, it has been classified as a Variant of Uncertain Significance.